The following is an entry in ClinVar:

ClinVar aggregate classification (germline): Uncertain significance (1 of 4 stars; one submission).

Allele frequency attached by ClinVar (database versions not stated): gnomAD exomes below 0.00001.
gnomAD v4.1: 2 of 1,614,030 alleles (0.00012%); highest among the groups gnomAD compares: Non-Finnish European, 0.000085%; no homozygotes.

Submission:

Labcorp Genetics (formerly Invitae), Labcorp
Classification: Uncertain significance. Last evaluated: 2023-12-06. Review status: criteria provided, single submitter. Criteria: Invitae Variant Classification Sherloc (09022015). Collection method: clinical testing. Allele origin: germline.
Comment: This sequence change replaces glycine, which is neutral and non-polar, with arginine, which is basic and polar, at codon 415 of the DSG1 protein (p.Gly415Arg). This variant is not present in population databases (gnomAD no frequency). This variant has not been reported in the literature in individuals affected with DSG1-related conditions. ClinVar contains an entry for this variant (Variation ID: 1969366). Advanced modeling of protein sequence and biophysical properties (such as structural, functional, and spatial information, amino acid conservation, physicochemical variation, residue mobility, and thermodynamic stability) performed at Invitae indicates that this missense variant is not expected to disrupt DSG1 protein function with a negative predictive value of 80%. In summary, the available evidence is currently insufficient to determine the role of this variant in disease. Therefore, it has been classified as a Variant of Uncertain Significance.

NM_001942.4(DSG1):c.1243G>C (p.Gly415Arg)

Gene: DSG1 (desmoglein 1; plus strand). Cytogenetic location: 18q12.1.
Variant type: single nucleotide variant.
Coding change: c.1243G>C on transcript NM_001942.4 (MANE Select); coding-DNA position 1243, G replaced by C.
Protein change: p.Gly415Arg; replaces glycine 415 with arginine.
Molecular consequence: missense variant.
Genome position (GRCh38, 1-based): chr18:31,336,591, G>C. VCF-style: chr18-31336591-G-C. GRCh37 (hg19) VCF-style: chr18-28916554-G-C.
Other names: short protein forms G415R.
Identifiers: ClinVar variation 1969366 (VCV001969366.5), dbSNP rs2510834480, ClinGen allele CA402134454.